The following is an entry in ClinVar:

ClinVar aggregate classification (germline): Conflicting classifications of pathogenicity. Review status: criteria provided, conflicting classifications (1 of 4 stars). 7 submissions from 7 submitters: Likely pathogenic (3); Uncertain significance (4). Last evaluated 2025-10-23.

Conditions:
Cardiovascular phenotype. Identifiers: MedGen CN230736.
Primary familial dilated cardiomyopathy (FDC). Also called: Familial dilated cardiomyopathy; Hypokinetic dilated cardiomyopathy, familial. Identifiers: Orphanet 217607, MedGen C0340427, MONDO:0016333.
Dilated cardiomyopathy 1G (CMD1G). Identifiers: Orphanet 154, MedGen C1858763, MONDO:0011400, OMIM 604145.
Autosomal recessive limb-girdle muscular dystrophy type 2J (LGMDR10). Also called: Limb-girdle muscular dystrophy, type 2J; MUSCULAR DYSTROPHY, LIMB-GIRDLE, AUTOSOMAL RECESSIVE 10. Identifiers: Orphanet 140922, MedGen C1837342, MONDO:0012127, OMIM 608807.

Allele frequency attached by ClinVar (database versions not stated): gnomAD exomes below 0.00001; TOPMed below 0.00001.
gnomAD v4.1: 3 of 1,585,098 alleles (0.00019%); highest among the groups gnomAD compares: African/African-American, 0.0027%; no homozygotes.

Submissions (7):

Labcorp Genetics (formerly Invitae), Labcorp
Classification: Likely pathogenic for Dilated cardiomyopathy 1G; Autosomal recessive limb-girdle muscular dystrophy type 2J. Last evaluated: 2025-10-23. Review status: criteria provided, single submitter. Criteria: Invitae Variant Classification Sherloc (09022015). Collection method: clinical testing. Allele origin: germline.
Comment: This sequence change affects an acceptor splice site in intron 151 of the TTN gene. It is expected to disrupt RNA splicing and likely results in a truncated or disrupted TTN protein. This variant is not present in population databases (gnomAD no frequency). This variant has not been reported in the literature in individuals affected with TTN-related conditions. ClinVar contains an entry for this variant (Variation ID: 166102). Algorithms developed to predict the effect of sequence changes on RNA splicing suggest that this variant may disrupt the consensus splice site. This variant is located in the I band of TTN (PMID: 25589632). Truncating variants in this region have been reported in individuals affected with autosomal recessive centronuclear myopathy (PMID: 23975875, internal data). Truncating variants in this region have also been identified in individuals affected with autosomal dominant dilated cardiomyopathy and/or cardio-related conditions (PMID: 27869827, 32964742, internal data). In summary, the currently available evidence indicates that the variant is pathogenic, but additional data are needed to prove that conclusively. Therefore, this variant has been classified as Likely Pathogenic.

Genomic Medicine Center of Excellence, King Faisal Specialist Hospital and Research Centre
Classification: Likely pathogenic for Dilated cardiomyopathy 1G. Last evaluated: 2025-09-10. Review status: criteria provided, single submitter. Criteria: ACMG Guidelines, 2015. Collection method: clinical testing. Allele origin: germline.

Molecular Diagnostic Laboratory for Inherited Cardiovascular Disease, Montreal Heart Institute
Classification: Uncertain significance for Cardiovascular phenotype. Last evaluated: 2025-07-24. Review status: criteria provided, single submitter. Criteria: ACMG Guidelines, 2015. Collection method: clinical testing. Allele origin: germline. Affected: yes.
Comment: PM2, PVS1_supp

Revvity Omics, Revvity
Classification: Uncertain significance. Last evaluated: 2025-05-16. Review status: criteria provided, single submitter. Criteria: ACMG Guidelines, 2015. Collection method: clinical testing. Allele origin: germline.

Women's Health and Genetics/Laboratory Corporation of America, LabCorp
Classification: Likely pathogenic for Primary familial dilated cardiomyopathy. Last evaluated: 2025-01-16. Review status: criteria provided, single submitter. Criteria: LabCorp Variant Classification Summary - May 2015. Collection method: clinical testing. Allele origin: germline.
Comment: Variant summary: TTN c.30806-1G>A (also known as NM_001267550:c.34709-1G>A) is located in a canonical splice-site and is predicted to affect mRNA splicing resulting in a significantly altered protein due to either exon skipping, shortening, or inclusion of intronic material. Variants that disrupt the consensus splice site are a relatively common cause of aberrant splicing and loss of TTN function. Loss of function variants in all TTN bands are strongly associated with a spectrum of autosomal recessive titinopathies when exon expression (proportion spliced in, PSI, 1=complete expression) in skeletal muscle is >0.1 (PMID: 36977548, 39198997, 29598826, 32778822, 29691892, 33449170, 36977548, internal data). In contrast, loss of function variants in all TTN bands are only strongly associated with autosomal dominant TTN-related cardiomyopathies if located in exons constitutively expressed (PSI >0.9) in cardiac muscle, excluding extreme C-terminal exons 359-363 (PMID: 25589632, 31216868, 32964742, 34662387, 27869827, Shetty et al., Nat Cardiovasc Res 2024,, internal data). This variant has a maximum skeletal muscle PSI of 0.565 and a maximum cardiac muscle PSI of 0.480. Several computational tools predict a significant impact on normal splicing: Three predict the variant abolishes a 3' acceptor site. However, these predictions have yet to be confirmed by functional studies. The variant allele was found at a frequency of 1.9e-06 in 1578192 control chromosomes (gnomAD v4.1). To our knowledge, no occurrence of c.30806-1G>A in individuals affected with TTN-related conditions and no experimental evidence demonstrating its impact on protein function have been reported. ClinVar contains an entry for this variant (Variation ID: 166102). Based on the evidence outlined above, the variant was classified as likely pathogenic for autosomal recessive TTN-related conditions.

Blueprint Genetics
Classification: Uncertain significance. Last evaluated: 2023-03-31. Review status: criteria provided, single submitter. Criteria: ACMG Guidelines, 2015. Collection method: clinical testing. Allele origin: germline.

Laboratory for Molecular Medicine, Mass General Brigham Personalized Medicine
Classification: Uncertain significance. Last evaluated: 2014-02-17. Review status: criteria provided, single submitter. Criteria: LMM Criteria. Collection method: clinical testing. Allele origin: germline. Observed: 1 variant allele.
Comment: Variant classified as Uncertain Significance - Favor Pathogenic. The 30806-1G>A variant in TTN has not been previously reported in individuals with cardiomyopat hy or in large population studies. This variant occurs in the invariant region ( +/- 1,2) of the splice consensus sequence and is predicted to cause altered spli cing leading to an abnormal or absent protein. Splice and other truncating varia nts in TTN are strongly associated with DCM and the majority occur in the A-band (Herman 2012, LMM unpublished data), while this variant occurs in the I-band. A lthough this data supports that the 30806-1G>A variant may be pathogenic, additi onal studies are needed to fully assess its clinical significance.

Literature cited by the submitters: PubMed 25589632 (cited by Labcorp Genetics (formerly Invitae), Labcorp); PubMed 23975875 (cited by Labcorp Genetics (formerly Invitae), Labcorp); PubMed 27869827 (cited by Labcorp Genetics (formerly Invitae), Labcorp); PubMed 32964742 (cited by Labcorp Genetics (formerly Invitae), Labcorp).

NM_001267550.2(TTN):c.34709-1G>A

Gene: TTN (titin; minus strand). Cytogenetic location: 2q31.2.
Variant type: single nucleotide variant.
Coding change: c.34709-1G>A on transcript NM_001267550.2 (MANE Select); the canonical splice acceptor site of the intron before coding-DNA position 34709, G replaced by A.
Molecular consequence: splice acceptor variant. On other transcripts: intron variant (3).
Genome position (GRCh38, 1-based): chr2:178,673,711, C>T on the plus strand (G>A on the coding strand, the complement: TTN is on the minus strand). VCF-style: chr2-178673711-C-T. GRCh37 (hg19) VCF-style: chr2-179538438-C-T.
Other names: c.13283-31394G>A (NM_003319.4); c.13859-31394G>A (NM_133437.4); c.13658-31394G>A (NM_133432.3); c.30806-1G>A (NM_133378.4); c.33587-1G>A (NM_001256850.1).
Identifiers: ClinVar variation 166102 (VCV000166102.21), dbSNP rs727503634, ClinGen allele CA178899.